The following is an entry in ClinVar:

ClinVar aggregate classification (germline): Likely benign (1 of 4 stars; one submission).

Allele frequency attached by ClinVar (database versions not stated): TOPMed below 0.00001; ExAC 0.00001; gnomAD exomes 0.00001.
gnomAD v4.1: 17 of 1,589,476 alleles (0.0011%); highest among the groups gnomAD compares: Middle Eastern, 0.15%; no homozygotes.

Submission:

Laboratory for Molecular Medicine, Mass General Brigham Personalized Medicine
Classification: Likely benign. Last evaluated: 2017-05-25. Review status: criteria provided, single submitter. Criteria: LMM Criteria. Collection method: clinical testing. Allele origin: germline. Observed: 1 variant allele.
Comment: c.6199+14A>G in intron 50 of OTOGL: This variant is not expected to have clinica l significance because it is not located within the splice consensus sequence. I t has been identified in 3/103056 European chromosomes by the Genome Aggregation Database (gnomAD; dbSNP rs780160987).

NM_001378609.3(OTOGL):c.6226+14A>G

Gene: OTOGL (otogelin like; plus strand). Cytogenetic location: 12q21.31.
Variant type: single nucleotide variant.
Coding change: c.6226+14A>G on transcript NM_001378609.3 (MANE Select); 14 bases into the intron after coding-DNA position 6226, A replaced by G.
Molecular consequence: intron variant.
Genome position (GRCh38, 1-based): chr12:80,358,789, A>G. VCF-style: chr12-80358789-A-G. GRCh37 (hg19) VCF-style: chr12-80752569-A-G.
Other names: c.6091+14A>G (NM_001368062.3); c.6226+14A>G (NM_001378610.3, NM_173591.7).
Identifiers: ClinVar variation 517381 (VCV000517381.5), dbSNP rs780160987, ClinGen allele CA6701942.